The following is an entry in ClinVar:

ClinVar aggregate classification (germline): Uncertain significance (1 of 4 stars; one submission).

Submission:

GeneDx
Classification: Uncertain significance. Last evaluated: 2026-08-20. Review status: criteria provided, single submitter. Criteria: GeneDx Variant Classification Process June 2021. Collection method: clinical testing. Allele origin: germline.
Comment: Not observed at significant frequency in large population cohorts (gnomAD); In silico analysis supports that this missense variant has a deleterious effect on protein structure/function; Has not been previously published as pathogenic or benign to our knowledge

NM_006421.5(ARFGEF1):c.2732A>G (p.Tyr911Cys)

Gene: ARFGEF1 (ARF guanine nucleotide exchange factor 1; minus strand). Cytogenetic location: 8q13.2.
Variant type: single nucleotide variant.
Coding change: c.2732A>G on transcript NM_006421.5 (MANE Select); coding-DNA position 2732, A replaced by G.
Protein change: p.Tyr911Cys; replaces tyrosine 911 with cysteine.
Molecular consequence: missense variant. On other transcripts: non-coding transcript variant (1).
Genome position (GRCh38, 1-based): chr8:67,251,417, T>C on the plus strand (A>G on the coding strand, the complement: ARFGEF1 is on the minus strand). VCF-style: chr8-67251417-T-C. GRCh37 (hg19) VCF-style: chr8-68163652-T-C.
Other names: c.2732A>G, p.Tyr911Cys (NM_001413184.1, NM_001413185.1, NM_001413186.1 and 6 more transcripts); c.2132A>G, p.Tyr711Cys (NM_001413188.1, NM_001413193.1, NM_001413197.1); c.2726A>G, p.Tyr909Cys (NM_001413190.1); c.1307A>G, p.Tyr436Cys (NM_001413196.1); short protein forms Y436C, Y711C, Y909C, Y911C.
Identifiers: ClinVar variation 3897077 (VCV003897077.2).